The following is an entry in ClinVar:

NM_017617.5(NOTCH1):c.5284C>T (p.Arg1762Trp)

Gene: NOTCH1 (notch receptor 1; minus strand). Cytogenetic location: 9q34.3.
Variant type: single nucleotide variant.
Coding change: c.5284C>T on transcript NM_017617.5 (MANE Select); coding-DNA position 5284, C replaced by T.
Protein change: p.Arg1762Trp; replaces arginine 1762 with tryptophan.
Molecular consequence: missense variant.
Genome position (GRCh38, 1-based): chr9:136,502,372, G>A on the plus strand (C>T on the coding strand, the complement: NOTCH1 is on the minus strand). VCF-style: chr9-136502372-G-A. GRCh37 (hg19) VCF-style: chr9-139396824-G-A.
Other names: c.5284C>T, p.Arg1762Trp (LRG_1122t1); short protein forms R1762W.
Identifiers: ClinVar variation 477942 (VCV000477942.11), dbSNP rs1356199208, ClinGen allele CA375640729.

ClinVar aggregate classification (germline): Uncertain significance. Review status: criteria provided, multiple submitters, no conflicts (2 of 4 stars). 4 submissions from 3 submitters: Uncertain significance (4). Last evaluated 2023-02-16.

Conditions:
Adams-Oliver syndrome 5 (AOS5). Identifiers: Orphanet 974, MedGen C4014970, MONDO:0014459, OMIM 616028.
Aortic valve disease 1 (AOVD1). Identifiers: MedGen C3887892, MONDO:0024523, OMIM 109730.

Allele frequency attached by ClinVar (database versions not stated): gnomAD exomes below 0.00001 and 0.00001.
gnomAD v4.1: 4 of 1,612,336 alleles (0.00025%); highest among the groups gnomAD compares: Non-Finnish European, 0.00034%; no homozygotes.

Submissions (4):

GeneDx
Classification: Uncertain significance. Last evaluated: 2023-02-16. Review status: criteria provided, single submitter. Criteria: GeneDx Variant Classification Process June 2021. Collection method: clinical testing. Allele origin: germline. Affected: yes.
Comment: Has not been previously published in association with cardiac or connective tissue disease to our knowledge; Not observed at significant frequency in large population cohorts (gnomAD); In silico analysis supports that this missense variant has a deleterious effect on protein structure/function; This variant is associated with the following publications: (PMID: 24277457)

Genome-Nilou Lab
Classification: Uncertain significance for Adams-Oliver syndrome 5. Last evaluated: 2022-03-15. Review status: criteria provided, single submitter. Criteria: ACMG Guidelines, 2015. Collection method: clinical testing. Allele origin: germline. Affected: no.

Genome-Nilou Lab
Classification: Uncertain significance for Aortic valve disease 1. Last evaluated: 2022-03-15. Review status: criteria provided, single submitter. Criteria: ACMG Guidelines, 2015. Collection method: clinical testing. Allele origin: germline. Affected: no.

Labcorp Genetics (formerly Invitae), Labcorp
Classification: Uncertain significance for Adams-Oliver syndrome 5. Last evaluated: 2017-07-03. Review status: criteria provided, single submitter. Criteria: Invitae Variant Classification Sherloc (09022015). Collection method: clinical testing. Allele origin: germline.
Comment: This variant has not been reported in the literature in individuals with NOTCH1-related disease. In summary, the available evidence is currently insufficient to determine the role of this variant in disease. Therefore, it has been classified as a Variant of Uncertain Significance. Algorithms developed to predict the effect of missense changes on protein structure and function do not agree on the potential impact of this missense change (SIFT: "Deleterious"; PolyPhen-2: "Probably Damaging"; Align-GVGD: "Class C0"). This variant is not present in population databases (ExAC no frequency). This sequence change replaces arginine with tryptophan at codon 1762 of the NOTCH1 protein (p.Arg1762Trp). The arginine residue is highly conserved and there is a moderate physicochemical difference between arginine and tryptophan.